The following is an entry in ClinVar:

NM_152743.4(BRAT1):c.965A>G (p.Gln322Arg)

Gene: BRAT1 (BRCA1 associated ATM activator 1; minus strand). Cytogenetic location: 7p22.3.
Variant type: single nucleotide variant.
Coding change: c.965A>G on transcript NM_152743.4 (MANE Select); coding-DNA position 965, A replaced by G.
Protein change: p.Gln322Arg; replaces glutamine 322 with arginine.
Molecular consequence: missense variant. On other transcripts: non-coding transcript variant (1).
Genome position (GRCh38, 1-based): chr7:2,542,170, T>C on the plus strand (A>G on the coding strand, the complement: BRAT1 is on the minus strand). VCF-style: chr7-2542170-T-C. GRCh37 (hg19) VCF-style: chr7-2581804-T-C.
Other names: c.965A>G, p.Gln322Arg (NM_001350626.2); c.440A>G, p.Gln147Arg (NM_001350627.2); short protein forms Q322R, Q147R.
Identifiers: ClinVar variation 940628 (VCV000940628.6), dbSNP rs1779225983, ClinGen allele CA366630317.

ClinVar aggregate classification (germline): Uncertain significance (1 of 4 stars; one submission).

Conditions:
Neonatal-onset encephalopathy with rigidity and seizures. Also called: Lethal neonatal spasticity-epileptic encephalopathy syndrome. Identifiers: Orphanet 435845, MedGen C3281029, MONDO:0013784, OMIM 614498.

Allele frequency attached by ClinVar (database versions not stated): gnomAD exomes below 0.00001; TOPMed below 0.00001; gnomAD 0.00001.
gnomAD v4.1: 4 of 1,571,964 alleles (0.00025%); highest among the groups gnomAD compares: Admixed American, 0.0037%; no homozygotes.

Submission:

Labcorp Genetics (formerly Invitae), Labcorp
Classification: Uncertain significance for Neonatal-onset encephalopathy with rigidity and seizures. Last evaluated: 2023-08-04. Review status: criteria provided, single submitter. Criteria: Invitae Variant Classification Sherloc (09022015). Collection method: clinical testing. Allele origin: germline.
Comment: In summary, the available evidence is currently insufficient to determine the role of this variant in disease. Therefore, it has been classified as a Variant of Uncertain Significance. Advanced modeling of protein sequence and biophysical properties (such as structural, functional, and spatial information, amino acid conservation, physicochemical variation, residue mobility, and thermodynamic stability) performed at Invitae indicates that this missense variant is not expected to disrupt BRAT1 protein function. ClinVar contains an entry for this variant (Variation ID: 940628). This variant has not been reported in the literature in individuals affected with BRAT1-related conditions. This variant is not present in population databases (gnomAD no frequency). This sequence change replaces glutamine, which is neutral and polar, with arginine, which is basic and polar, at codon 322 of the BRAT1 protein (p.Gln322Arg).